The following is an entry in ClinVar:

NM_001040142.2(SCN2A):c.1300G>C (p.Ala434Pro)

Gene: SCN2A (sodium voltage-gated channel alpha subunit 2; plus strand). Cytogenetic location: 2q24.3.
Variant type: single nucleotide variant.
Coding change: c.1300G>C on transcript NM_001040142.2 (MANE Select); coding-DNA position 1300, G replaced by C.
Protein change: p.Ala434Pro; replaces alanine 434 with proline.
Molecular consequence: missense variant.
Genome position (GRCh38, 1-based): chr2:165,314,025, G>C. VCF-style: chr2-165314025-G-C. GRCh37 (hg19) VCF-style: chr2-166170535-G-C.
Other names: c.1300G>C, p.Ala434Pro (NM_001040143.2, NM_001371246.1, NM_001371247.1 and 1 more transcripts); short protein forms A434P.
Identifiers: ClinVar variation 432064 (VCV000432064.2), dbSNP rs1553568999, ClinGen allele CA349022324.

ClinVar aggregate classification (germline): Likely pathogenic (1 of 4 stars; one submission).

Submission:

GeneDx
Classification: Likely pathogenic. Last evaluated: 2016-02-05. Review status: criteria provided, single submitter. Criteria: GeneDx Variant Classification (06012015). Collection method: clinical testing. Allele origin: germline. Affected: yes.
Comment: The A434P variant has not been published as a pathogenic variant, nor has it been reported as a benign variant to our knowledge. It was not observed in approximately 6,500 individuals of European and African American ancestry in the NHLBI Exome Sequencing Project, indicating it is not a common benign variant in these populations. The A434P variant is a semi-conservative amino acid substitution, which may impact secondary protein structure as these residues differ in some properties. This substitution alters a position where amino acids with similar properties to Alanine are tolerated across species, and is predicted to be in the cytoplasmic loop between the first and second homologous domains. In silico analysis predicts this variant is probably damaging to the protein structure/function. Missense variants in nearby residues (E430Q, E430G) have been reported in the Human Gene Mutation Database in association with SCN2A-related disorders (Stenson et al., 2014). Therefore, this variant is likely pathogenic; however, the possibility that it is benign cannot be excluded.